The following is an entry in ClinVar:

ClinVar aggregate classification (germline): Benign. Review status: criteria provided, multiple submitters, no conflicts (2 of 4 stars). 4 submissions from 4 submitters: Benign (3). 1 of the submissions does not count toward it. Last evaluated 2022-04-19.

Conditions:
CDK12-related disorder. Also called: CDK12-related condition.
Hereditary breast ovarian cancer syndrome. Also called: Hereditary breast and ovarian cancer; Hereditary breast and ovarian cancer syndrome (HBOC); Hereditary breast and/or ovarian cancer syndrome; BRCA1- and BRCA2-Associated Hereditary Breast and Ovarian Cancer; Hereditary breast and ovarian cancer syndrome; Breast and ovarian cancer. Identifiers: Orphanet 145, MedGen C0677776, MeSH D061325, MONDO:0003582. Disease mechanism: loss of function.

Allele frequency attached by ClinVar (database versions not stated): gnomAD exomes 0.00511 and 0.01420; ExAC 0.01735; gnomAD 0.05260 and 0.05652; 1000 Genomes Project 0.05831; 1000 Genomes Project 30x 0.05965; ESP Exome Variant Server 0.05990; TOPMed 0.06011.
gnomAD v4.1: 15,836 of 1,614,138 alleles (0.98%); highest among the groups gnomAD compares: African/African-American, 18%; 1,288 homozygotes.

Submissions (4):

National Health Laboratory Service, Universitas Academic Hospital and University of the Free State
Classification: Benign for Hereditary breast ovarian cancer syndrome. Last evaluated: 2022-04-19. Review status: criteria provided, single submitter. Criteria: ACMG Guidelines, 2015. Collection method: clinical testing. Allele origin: germline. Affected: yes. Observed: 50 variant alleles.

GeneDx
Classification: Benign. Last evaluated: 2019-06-15. Review status: criteria provided, single submitter. Criteria: GeneDx Variant Classification Process June 2021. Collection method: clinical testing. Allele origin: germline. Affected: yes.

Breakthrough Genomics
Classification: Benign. Review status: criteria provided, single submitter. Criteria: ACMG Guidelines, 2015. Collection method: not provided. Allele origin: germline. Inheritance: Unknown mechanism. Affected: yes.

PreventionGenetics, part of Exact Sciences
Classification: Benign for CDK12-related condition. Last evaluated: 2019-10-28. Review status: no assertion criteria provided. Collection method: clinical testing. Allele origin: germline. Not counted in ClinVar's aggregate classification.
Comment: This variant is classified as benign based on ACMG/AMP sequence variant interpretation guidelines (Richards et al. 2015 PMID: 25741868, with internal and published modifications).

NM_016507.4(CDK12):c.3483G>A (p.Thr1161=)

Gene: CDK12 (cyclin dependent kinase 12; plus strand). Cytogenetic location: 17q12.
Variant type: single nucleotide variant.
Coding change: c.3483G>A on transcript NM_016507.4 (MANE Select); coding-DNA position 3483, G replaced by A.
Protein change: p.Thr1161=; no amino-acid change (threonine 1161 retained).
Molecular consequence: synonymous variant.
Genome position (GRCh38, 1-based): chr17:39,526,039, G>A. VCF-style: chr17-39526039-G-A. GRCh37 (hg19) VCF-style: chr17-37682292-G-A.
Other names: NP_057591.2:p.Thr1161=; c.3483G>A, p.Thr1161= (NM_015083.4).
Identifiers: ClinVar variation 1222232 (VCV001222232.7), dbSNP rs12950784, ClinGen allele CA8531544.